The following is an entry in ClinVar:

NM_001466.4(FZD2):c.1405T>C (p.Tyr469His)

Gene: FZD2 (frizzled class receptor 2; plus strand). Cytogenetic location: 17q21.31.
Variant type: single nucleotide variant.
Coding change: c.1405T>C on transcript NM_001466.4 (MANE Select); coding-DNA position 1405, T replaced by C.
Protein change: p.Tyr469His; replaces tyrosine 469 with histidine.
Molecular consequence: missense variant.
Genome position (GRCh38, 1-based): chr17:44,559,093, T>C. VCF-style: chr17-44559093-T-C. GRCh37 (hg19) VCF-style: chr17-42636461-T-C.
Other names: short protein forms Y469H.
Identifiers: ClinVar variation 4742356 (VCV004742356.1).

ClinVar aggregate classification (germline): Uncertain significance (1 of 4 stars; one submission).

Submission:

Labcorp Genetics (formerly Invitae), Labcorp
Classification: Uncertain significance. Last evaluated: 2025-01-29. Review status: criteria provided, single submitter. Criteria: Invitae Variant Classification Sherloc (09022015). Collection method: clinical testing. Allele origin: germline.
Comment: This sequence change replaces tyrosine, which is neutral and polar, with histidine, which is basic and polar, at codon 469 of the FZD2 protein (p.Tyr469His). This variant is not present in population databases (gnomAD no frequency). This variant has not been reported in the literature in individuals affected with FZD2-related conditions. Invitae Evidence Modeling of protein sequence and biophysical properties (such as structural, functional, and spatial information, amino acid conservation, physicochemical variation, residue mobility, and thermodynamic stability) indicates that this missense variant is not expected to disrupt FZD2 protein function with a negative predictive value of 80%. In summary, the available evidence is currently insufficient to determine the role of this variant in disease. Therefore, it has been classified as a Variant of Uncertain Significance.